The following is an entry in ClinVar:

ClinVar aggregate classification (germline): Uncertain significance. Review status: criteria provided, multiple submitters, no conflicts (2 of 4 stars). 3 submissions from 3 submitters: Uncertain significance (3). Last evaluated 2025-09-28.

Conditions:
Autosomal recessive limb-girdle muscular dystrophy type 2Q (LGMDR17). Also called: MUSCULAR DYSTROPHY, LIMB-GIRDLE, AUTOSOMAL RECESSIVE 17. Identifiers: Orphanet 254361, MedGen C3150989, MONDO:0013390, OMIM 613723.
Epidermolysis bullosa simplex 5B, with muscular dystrophy (EBS5B). Also called: EPIDERMOLYSIS BULLOSA SIMPLEX AND LIMB-GIRDLE MUSCULAR DYSTROPHY; Epidermolysis bullosa simplex with muscular dystrophy. Identifiers: Orphanet 257, MedGen C2931072, MONDO:0009181, OMIM 226670.
Epidermolysis bullosa simplex, Ogna type (EBS5A). Also called: Pidermolysis bullosa simplex 5A, Ogna type; EPIDERMOLYSIS BULLOSA SIMPLEX 5A, OGNA TYPE. Identifiers: Orphanet 79401, MedGen C0432317, MONDO:0007555, OMIM 131950.
Epidermolysis bullosa simplex 5C, with pyloric atresia (EBS5C). Also called: PLEC-Related Epidermolysis Bullosa with Pyloric Atresia; Epidermolysis bullosa simplex with pyloric atresia; PLEC1-Related Epidermolysis Bullosa with Pyloric Atresia. Identifiers: Orphanet 158684, MedGen C2677349, MONDO:0012807, OMIM 612138.
Epidermolysis bullosa simplex with nail dystrophy (EBS5D). Identifiers: MedGen C4225309, MONDO:0014661, OMIM 616487.

Submissions (3):

Labcorp Genetics (formerly Invitae), Labcorp
Classification: Uncertain significance for Autosomal recessive limb-girdle muscular dystrophy type 2Q; Epidermolysis bullosa simplex, Ogna type; Epidermolysis bullosa simplex with nail dystrophy; Epidermolysis bullosa simplex 5C, with pyloric atresia; Epidermolysis bullosa simplex 5B, with muscular dystrophy. Last evaluated: 2025-09-28. Review status: criteria provided, single submitter. Criteria: Invitae Variant Classification Sherloc (09022015). Collection method: clinical testing. Allele origin: germline.
Comment: This variant, c.7315_7317del, results in the deletion of 1 amino acid(s) of the PLEC protein (p.Glu2439del), but otherwise preserves the integrity of the reading frame. This variant is present in population databases (rs782750670, gnomAD 0.006%). This variant has not been reported in the literature in individuals affected with PLEC-related conditions. Experimental studies and prediction algorithms are not available or were not evaluated, and the functional significance of this variant is currently unknown. In summary, the available evidence is currently insufficient to determine the role of this variant in disease. Therefore, it has been classified as a Variant of Uncertain Significance.

CeGaT Center for Human Genetics Tuebingen
Classification: Uncertain significance. Last evaluated: 2025-07-01. Review status: criteria provided, single submitter. Criteria: CeGaT Center For Human Genetics Tuebingen Variant Classification Criteria Version 2. Collection method: clinical testing. Allele origin: germline. Affected: yes. Observed: 1 variant allele.
Comment: PLEC: PM2, PM4:Supporting

Revvity Omics, Revvity
Classification: Uncertain significance. Last evaluated: 2025-02-20. Review status: criteria provided, single submitter. Criteria: ACMG Guidelines, 2015. Collection method: clinical testing. Allele origin: germline.

NM_201384.3(PLEC):c.7231GAG[1] (p.Glu2412del)

Gene: PLEC (plectin; minus strand). Cytogenetic location: 8q24.3.
Variant type: Microsatellite.
Coding change: c.7231GAG[1] on transcript NM_201384.3 (MANE Select); one copy of the 3-base unit GAG starting at c.7231; the reference has two copies in a row; one copy, 3 bases deleted.
Protein change: p.Glu2412del; deletes glutamic acid 2412.
Molecular consequence: inframe deletion.
Genome position (GRCh38, 1-based): chr8:143,922,693-143,922,695, CTC deleted on the plus strand (GAG on the coding strand, the reverse complement: PLEC is on the minus strand); deleting any 3 consecutive bases within chr8:143,922,693-143,922,699 gives the same sequence; the position shown is the placement nearest the transcript's 3' end. VCF-style (leftmost placement, unchanged base first): chr8-143922692-TCTC-T. GRCh37 (hg19) VCF-style: chr8-144996860-TCTC-T.
Other names: c.7312GAG[1], p.Glu2439del (NM_000445.5); c.7189GAG[1], p.Glu2398del (NM_201378.4); c.7165GAG[1], p.Glu2390del (NM_201379.3); c.7642GAG[1], p.Glu2549del (NM_201380.4); c.7135GAG[1], p.Glu2380del (NM_201381.3); c.7231GAG[1], p.Glu2412del (NM_201382.4); c.7243GAG[1], p.Glu2416del (NM_201383.3); c.7315_7317del (NM_000445.5); short protein forms E2416del, E2549del, E2412del, E2380del, E2390del, E2439del, E2398del.
Identifiers: ClinVar variation 575040 (VCV000575040.15), dbSNP rs782750670, ClinGen allele CA4925716.
Genomic context (GRCh38, chr8:143,922,692, plus strand): 5'-TCTGCACCAGGGTCACCTTCTCCTGGGTGGCGAGCTCCGTGCGGTGCAGCTTCTCACCGA[TCTC>T]CTCCGCCTGCTTCCGGAAGCGCTGGGCGTCCTCCTCAGCGCGGGCCTGGGCTCGGCTCAT-3'